The following is an entry in ClinVar:

ClinVar aggregate classification (germline): Uncertain significance (1 of 4 stars; one submission).

Conditions:
Familial sleep-related hypermotor epilepsy. Also called: Autosomal Dominant Sleep-Related Hypermotor (Hyperkinetic) Epilepsy. Identifiers: Orphanet 98784, MedGen C3696898, MONDO:0000030.

Submission:

Labcorp Genetics (formerly Invitae), Labcorp
Classification: Uncertain significance. Last evaluated: 2025-06-17. Review status: criteria provided, single submitter. Criteria: Invitae Variant Classification Sherloc (09022015). Collection method: clinical testing. Allele origin: germline.
Comment: This sequence change creates a premature translational stop signal (p.Tyr105Leufs*2) in the CHRNA4 gene. It is expected to result in an absent or disrupted protein product. However, the current clinical and genetic evidence is not sufficient to establish whether loss-of-function variants in CHRNA4 cause disease. This variant is not present in population databases (gnomAD no frequency). This variant has not been reported in the literature in individuals affected with CHRNA4-related conditions. In summary, the available evidence is currently insufficient to determine the role of this variant in disease. Therefore, it has been classified as a Variant of Uncertain Significance.

NM_000744.7(CHRNA4):c.313dup (p.Tyr105fs)

Genes: CHRNA4 (cholinergic receptor nicotinic alpha 4 subunit; minus strand), LOC126863087 (P300/CBP strongly-dependent group 1 enhancer GRCh37_chr20:61986832-61988031; plus strand). Cytogenetic location: 20q13.33.
Variant type: Duplication.
Coding change: c.313dup on transcript NM_000744.7 (MANE Select); coding-DNA position 313, one base duplicated (T; older notation c.313dupT).
Protein change: p.Tyr105fs; shifts the reading frame from tyrosine 105.
Molecular consequence: frameshift variant. On other transcripts: 5 prime UTR variant (1), non-coding transcript variant (1).
Genome position (GRCh38, 1-based): chr20:63,356,045, A duplicated on the plus strand (T on the coding strand, the reverse complement: CHRNA4 is on the minus strand). VCF-style (leftmost placement, unchanged base first): chr20-63356044-T-TA. GRCh37 (hg19) VCF-style: chr20-61987396-T-TA.
Other names: c.-234dup (NM_001256573.2); short protein forms Y105fs.
Identifiers: ClinVar variation 4721622 (VCV004721622.1).